The following is an entry in ClinVar:

NM_178138.6(LHX3):c.606+1G>A

Gene: LHX3 (LIM homeobox 3; minus strand). Cytogenetic location: 9q34.3.
Variant type: single nucleotide variant.
Coding change: c.606+1G>A on transcript NM_178138.6 (MANE Select); the canonical splice donor site of the intron after coding-DNA position 606, G replaced by A.
Molecular consequence: splice donor variant.
Genome position (GRCh38, 1-based): chr9:136,198,907, C>T on the plus strand (G>A on the coding strand, the complement: LHX3 is on the minus strand). VCF-style: chr9-136198907-C-T. GRCh37 (hg19) VCF-style: chr9-139090753-C-T.
Other names: c.621+1G>A (NM_014564.5); c.573+1G>A (NM_001363746.1).
Identifiers: ClinVar variation 2059825 (VCV002059825.4), dbSNP rs2490910186, ClinGen allele CA375519542.

ClinVar aggregate classification (germline): Likely pathogenic (1 of 4 stars; one submission).

Submission:

Labcorp Genetics (formerly Invitae), Labcorp
Classification: Likely pathogenic. Last evaluated: 2021-12-25. Review status: criteria provided, single submitter. Criteria: Invitae Variant Classification Sherloc (09022015). Collection method: clinical testing. Allele origin: germline.
Comment: This variant has not been reported in the literature in individuals affected with LHX3-related conditions. In summary, the currently available evidence indicates that the variant is pathogenic, but additional data are needed to prove that conclusively. Therefore, this variant has been classified as Likely Pathogenic. Experimental studies and prediction algorithms are not available or were not evaluated, and the effect of this variant on mRNA splicing is currently unknown. This variant is not present in population databases (gnomAD no frequency). This sequence change affects a donor splice site in intron 4 of the LHX3 gene. It is expected to disrupt RNA splicing. Variants that disrupt the donor or acceptor splice site typically lead to a loss of protein function (PMID: 16199547), and loss-of-function variants in LHX3 are known to be pathogenic (PMID: 16394081, 18407919).

Literature cited by the submitters: PubMed 16199547; PubMed 16394081; PubMed 18407919.